The following is an entry in ClinVar:

ClinVar aggregate classification (germline): Likely benign (0 of 4 stars; one submission).

Conditions:
GNAI2-related disorder. Also called: GNAI2-related condition.

Allele frequency attached by ClinVar (database versions not stated): gnomAD exomes 0.00003; ESP Exome Variant Server 0.00008; ExAC 0.00007; TOPMed 0.00020; gnomAD 0.00023.
gnomAD v4.1: 75 of 1,611,648 alleles (0.0047%); highest among the groups gnomAD compares: African/African-American, 0.064%; no homozygotes.

Submission:

PreventionGenetics, part of Exact Sciences
Classification: Likely benign for GNAI2-related condition. Last evaluated: 2019-09-18. Review status: no assertion criteria provided. Collection method: clinical testing. Allele origin: germline.
Comment: This variant is classified as likely benign based on ACMG/AMP sequence variant interpretation guidelines (Richards et al. 2015 PMID: 25741868, with internal and published modifications).

NM_002070.4(GNAI2):c.342C>T (p.Ala114=)

Gene: GNAI2 (G protein subunit alpha i2; plus strand). Cytogenetic location: 3p21.31.
Variant type: single nucleotide variant.
Coding change: c.342C>T on transcript NM_002070.4 (MANE Select); coding-DNA position 342, C replaced by T.
Protein change: p.Ala114=; no amino-acid change (alanine 114 retained).
Molecular consequence: synonymous variant.
Genome position (GRCh38, 1-based): chr3:50,253,062, C>T. VCF-style: chr3-50253062-C-T. GRCh37 (hg19) VCF-style: chr3-50290494-C-T.
Other names: c.231C>T, p.Ala77= (NM_001166425.2); c.186C>T, p.Ala62= (NM_001282617.2); c.99C>T, p.Ala33= (NM_001282618.2); c.294C>T, p.Ala98= (NM_001282619.2, NM_001282620.2).
Identifiers: ClinVar variation 3039958 (VCV003039958.2), dbSNP rs146259462, ClinGen allele CA2413428.